The following is an entry in ClinVar:

ClinVar aggregate classification (germline): Benign/Likely benign. Review status: criteria provided, multiple submitters, no conflicts (2 of 4 stars). 16 submissions from 13 submitters: Benign (12); Likely benign (1). 3 of the submissions do not count toward it. Last evaluated 2026-08-01.

Conditions:
Pfeiffer syndrome (ACS5). Also called: ACS V. Identifiers: Orphanet 710, MedGen C0220658, MONDO:0007043, OMIM 101600.
Hypogonadotropic hypogonadism 2 with or without anosmia (HH2). Also called: FGFR1-Related GnRH Deficiency (Kallmann Syndrome 2); HYPOGONADOTROPIC HYPOGONADISM 2 WITHOUT ANOSMIA; HYPOGONADOTROPIC HYPOGONADISM 2 WITH OR WITHOUT ANOSMIA, SUSCEPTIBILITY TO; HYPOGONADOTROPIC HYPOGONADISM 2 WITHOUT ANOSMIA, SUSCEPTIBILITY TO. Identifiers: Orphanet 478, MedGen C1563720, MONDO:0007844, OMIM 147950. Disease mechanism: loss of function.
Craniosynostosis syndrome. Also called: Craniosynostosis. Identifiers: Orphanet 1531, MedGen C0010278, MeSH D003398, MONDO:0015469, HP:0001363.
Trigonocephaly 1 (TRIGNO1). Identifiers: Orphanet 3366, MedGen C0432122, MONDO:0008603, OMIM 190440.
Osteoglophonic dysplasia (OGD). Also called: Osteoglophonic dwarfism. Identifiers: Orphanet 2645, MedGen C0432283, MONDO:0008150, OMIM 166250.

Allele frequency attached by ClinVar (database versions not stated): 1000 Genomes Project 30x 0.00671; 1000 Genomes Project 0.00719; TOPMed 0.01157; gnomAD 0.01467 and 0.01503; gnomAD exomes 0.01559 and 0.01954; ExAC 0.01571; ESP Exome Variant Server 0.01631.
gnomAD v4.1: 30,620 of 1,613,888 alleles (1.9%); highest among the groups gnomAD compares: Non-Finnish European, 2.2%; 391 homozygotes.

Submissions (16):

CeGaT Center for Human Genetics Tuebingen
Classification: Benign. Last evaluated: 2026-08-01. Review status: criteria provided, single submitter. Criteria: CeGaT Center For Human Genetics Tuebingen Variant Classification Criteria Version 2. Collection method: clinical testing. Allele origin: germline. Affected: yes. Observed: 50 variant alleles.
Comment: FGFR1: BP4, BS1, BS2

Labcorp Genetics (formerly Invitae), Labcorp
Classification: Benign for Pfeiffer syndrome; Hypogonadotropic hypogonadism 2 with or without anosmia. Last evaluated: 2026-02-04. Review status: criteria provided, single submitter. Criteria: Invitae Variant Classification Sherloc (09022015). Collection method: clinical testing. Allele origin: germline.

Blueprint Genetics
Classification: Likely benign. Last evaluated: 2024-11-27. Review status: criteria provided, single submitter. Criteria: ACMG Guidelines, 2015. Collection method: clinical testing. Allele origin: germline.

ARUP Laboratories, Molecular Genetics and Genomics, ARUP Laboratories
Classification: Benign. Last evaluated: 2023-11-11. Review status: criteria provided, single submitter. Criteria: ARUP Molecular Germline Variant Investigation Process 2024. Collection method: clinical testing. Allele origin: germline.

Athena Diagnostics
Classification: Benign. Last evaluated: 2020-02-14. Review status: criteria provided, single submitter. Criteria: Athena Diagnostics Criteria. Collection method: clinical testing. Allele origin: unknown.

GeneDx
Classification: Benign. Last evaluated: 2019-01-16. Review status: criteria provided, single submitter. Criteria: GeneDx Variant Classification Process June 2021. Collection method: clinical testing. Allele origin: germline. Affected: yes.
Comment: This variant is associated with the following publications: (PMID: 27884173, 23348397)

Illumina Laboratory Services, Illumina
Classification: Benign for Osteoglophonic dysplasia. Last evaluated: 2018-01-12. Review status: criteria provided, single submitter. Criteria: ICSL Variant Classification Criteria 13 December 2019. Collection method: clinical testing. Allele origin: germline.
Comment: This variant was observed in the ICSL laboratory as part of a predisposition screen in an ostensibly healthy population. It had not been previously curated by ICSL or reported in the Human Gene Mutation Database (HGMD: prior to June 1st, 2018), and was therefore a candidate for classification through an automated scoring system. Utilizing variant allele frequency, disease prevalence and penetrance estimates, and inheritance mode, an automated score was calculated to assess if this variant is too frequent to cause the disease. Based on the score and internal cut-off values, a variant classified as benign is not then subjected to further curation. The score for this variant resulted in a classification of benign for this disease.

Illumina Laboratory Services, Illumina
Classification: Benign for Hypogonadotropic hypogonadism 2 with or without anosmia. Last evaluated: 2018-01-12. Review status: criteria provided, single submitter. Criteria: ICSL Variant Classification Criteria 13 December 2019. Collection method: clinical testing. Allele origin: germline.
Comment: the same text as in the submission from Illumina Laboratory Services, Illumina above.

Illumina Laboratory Services, Illumina
Classification: Benign for Craniosynostosis. Last evaluated: 2018-01-12. Review status: criteria provided, single submitter. Criteria: ICSL Variant Classification Criteria 13 December 2019. Collection method: clinical testing. Allele origin: germline.
Comment: the same text as in the submission from Illumina Laboratory Services, Illumina above.

Illumina Laboratory Services, Illumina
Classification: Benign for Trigonocephaly 1. Last evaluated: 2018-01-12. Review status: criteria provided, single submitter. Criteria: ICSL Variant Classification Criteria 13 December 2019. Collection method: clinical testing. Allele origin: germline.
Comment: the same text as in the submission from Illumina Laboratory Services, Illumina above.

Eurofins Ntd Llc (ga)
Classification: Benign. Last evaluated: 2015-06-05. Review status: criteria provided, single submitter. Criteria: EGL Classification Definitions 2015. Collection method: clinical testing. Allele origin: germline. Observed: 2 variant alleles, 2 heterozygotes.

Breakthrough Genomics
Classification: Benign. Review status: criteria provided, single submitter. Criteria: ACMG Guidelines, 2015. Collection method: not provided. Allele origin: germline. Inheritance: Autosomal dominant inheritance. Affected: yes.

PreventionGenetics, part of Exact Sciences
Classification: Benign. Review status: criteria provided, single submitter. Criteria: ACMG Guidelines, 2015. Collection method: clinical testing. Allele origin: germline.

Clinical Genetics, Academic Medical Center
Classification: Benign. Review status: no assertion criteria provided. Collection method: clinical testing. Allele origin: germline. Affected: yes. Study: VKGL Data-share Consensus. Not counted in ClinVar's aggregate classification.

Joint Genome Diagnostic Labs from Nijmegen and Maastricht, Radboudumc and MUMC+
Classification: Benign. Review status: no assertion criteria provided. Collection method: clinical testing. Allele origin: germline. Affected: yes. Study: VKGL Data-share Consensus. Not counted in ClinVar's aggregate classification.

Laboratory of Diagnostic Genome Analysis, Leiden University Medical Center (LUMC)
Classification: Likely benign. Review status: no assertion criteria provided. Collection method: clinical testing. Allele origin: germline. Affected: yes. Study: VKGL Data-share Consensus. Not counted in ClinVar's aggregate classification.

Literature cited by the submitters: PubMed 27884173 (cited by Athena Diagnostics); PubMed 23348397 (cited by Athena Diagnostics).

NM_023110.3(FGFR1):c.2187-6C>T

Gene: FGFR1 (fibroblast growth factor receptor 1; minus strand). Cytogenetic location: 8p11.23.
Variant type: single nucleotide variant.
Coding change: c.2187-6C>T on transcript NM_023110.3 (MANE Select); 6 bases into the intron before coding-DNA position 2187, C replaced by T.
Molecular consequence: intron variant.
Genome position (GRCh38, 1-based): chr8:38,414,029, G>A on the plus strand (C>T on the coding strand, the complement: FGFR1 is on the minus strand). VCF-style: chr8-38414029-G-A. GRCh37 (hg19) VCF-style: chr8-38271547-G-A.
Other names: c.1908-6C>T (NM_001354368.2); c.1914-6C>T (NM_001354370.2, NM_023106.3); c.1920-6C>T (NM_023105.3, NM_001174066.2); c.2181-6C>T (NM_001354367.2, NM_015850.4, NM_001174063.2 and 1 more transcripts); c.2157-6C>T (NM_001174064.2); c.2175-6C>T (NM_001354369.2); c.2280-6C>T (NM_001174067.2).
Identifiers: ClinVar variation 194786 (VCV000194786.63), dbSNP rs4647904, ClinGen allele CA201352.